The following is an entry in ClinVar:

NM_000092.5(COL4A4):c.*4164C>T

Gene: COL4A4 (collagen type IV alpha 4 chain; minus strand). Cytogenetic location: 2q36.3.
Variant type: single nucleotide variant.
Coding change: c.*4164C>T on transcript NM_000092.5 (MANE Select); 4164 bases downstream of the stop codon, C replaced by T.
Molecular consequence: 3 prime UTR variant.
Genome position (GRCh38, 1-based): chr2:227,003,161, G>A on the plus strand (C>T on the coding strand, the complement: COL4A4 is on the minus strand). VCF-style: chr2-227003161-G-A. GRCh37 (hg19) VCF-style: chr2-227867877-G-A.
Identifiers: ClinVar variation 334646 (VCV000334646.6), dbSNP rs147109071, ClinGen allele CA10612946.

ClinVar aggregate classification (germline): Likely benign. Review status: criteria provided, multiple submitters, no conflicts (2 of 4 stars). 2 submissions from 2 submitters: Likely benign (2). Last evaluated 2018-01-13.

Conditions:
Alport syndrome. Also called: Hemorrhagic familial nephritis; Hemorrhagic hereditary nephritis; Congenital hereditary hematuria. Identifiers: Orphanet 63, MedGen C1567741, MONDO:0018965.

Allele frequency attached by ClinVar (database versions not stated): gnomAD 0.00846 and 0.00850; TOPMed 0.00849; 1000 Genomes Project 30x 0.00390; 1000 Genomes Project 0.00399.

Submissions (2):

Illumina Laboratory Services, Illumina
Classification: Likely benign for Alport syndrome. Last evaluated: 2018-01-13. Review status: criteria provided, single submitter. Criteria: ICSL Variant Classification Criteria 13 December 2019. Collection method: clinical testing. Allele origin: germline.
Comment: This variant was observed in the ICSL laboratory as part of a predisposition screen in an ostensibly healthy population. It had not been previously curated by ICSL or reported in the Human Gene Mutation Database (HGMD: prior to June 1st, 2018), and was therefore a candidate for classification through an automated scoring system. Utilizing variant allele frequency, disease prevalence and penetrance estimates, and inheritance mode, an automated score was calculated to assess if this variant is too frequent to cause the disease. Based on the score and internal cut-off values, a variant classified as likely benign is not then subjected to further curation. The score for this variant resulted in a classification of likely benign for this disease.

Breakthrough Genomics
Classification: Likely benign. Review status: criteria provided, single submitter. Criteria: ACMG Guidelines, 2015. Collection method: not provided. Allele origin: germline. Inheritance: Autosomal recessive inheritance. Affected: yes.